The following is an entry in ClinVar:

ClinVar aggregate classification (germline): Uncertain significance (1 of 4 stars; one submission).

Allele frequency attached by ClinVar (database versions not stated): gnomAD 0.00002; TOPMed 0.00004.
gnomAD v4.1: 24 of 1,614,128 alleles (0.0015%); highest among the groups gnomAD compares: African/African-American, 0.0027%; no homozygotes.

Submission:

Labcorp Genetics (formerly Invitae), Labcorp
Classification: Uncertain significance. Last evaluated: 2022-08-21. Review status: criteria provided, single submitter. Criteria: Invitae Variant Classification Sherloc (09022015). Collection method: clinical testing. Allele origin: germline.
Comment: This sequence change replaces arginine, which is basic and polar, with tryptophan, which is neutral and slightly polar, at codon 2104 of the NBAS protein (p.Arg2104Trp). This variant is present in population databases (rs763164043, gnomAD 0.003%). This variant has not been reported in the literature in individuals affected with NBAS-related conditions. ClinVar contains an entry for this variant (Variation ID: 1523881). Algorithms developed to predict the effect of missense changes on protein structure and function (SIFT, PolyPhen-2, Align-GVGD) all suggest that this variant is likely to be disruptive. In summary, the available evidence is currently insufficient to determine the role of this variant in disease. Therefore, it has been classified as a Variant of Uncertain Significance.

NM_015909.4(NBAS):c.6310C>T (p.Arg2104Trp)

Gene: NBAS (NBAS subunit of NRZ tethering complex; minus strand). Cytogenetic location: 2p24.3.
Variant type: single nucleotide variant.
Coding change: c.6310C>T on transcript NM_015909.4 (MANE Select); coding-DNA position 6310, C replaced by T.
Protein change: p.Arg2104Trp; replaces arginine 2104 with tryptophan.
Molecular consequence: missense variant.
Genome position (GRCh38, 1-based): chr2:15,218,895, G>A on the plus strand (C>T on the coding strand, the complement: NBAS is on the minus strand). VCF-style: chr2-15218895-G-A. GRCh37 (hg19) VCF-style: chr2-15359019-G-A.
Other names: short protein forms R2104W.
Identifiers: ClinVar variation 1523881 (VCV001523881.3), dbSNP rs763164043, ClinGen allele CA1535042.